The following is an entry in ClinVar:

NM_199355.4(ADAMTS18):c.1252C>T (p.Arg418Ter)

Gene: ADAMTS18 (ADAM metallopeptidase with thrombospondin type 1 motif 18; minus strand). Cytogenetic location: 16q23.1.
Variant type: single nucleotide variant.
Coding change: c.1252C>T on transcript NM_199355.4 (MANE Select); coding-DNA position 1252, C replaced by T.
Protein change: p.Arg418Ter; replaces arginine 418 with a stop codon.
Molecular consequence: nonsense.
Genome position (GRCh38, 1-based): chr16:77,359,388, G>A on the plus strand (C>T on the coding strand, the complement: ADAMTS18 is on the minus strand). VCF-style: chr16-77359388-G-A. GRCh37 (hg19) VCF-style: chr16-77393285-G-A.
Other names: c.736C>T, p.Arg246Ter (NM_001326358.2); short protein forms R418*, R246*.
Identifiers: ClinVar variation 1354967 (VCV001354967.7), dbSNP rs763330900, ClinGen allele CA8181377.

ClinVar aggregate classification (germline): Pathogenic/Likely pathogenic. Review status: criteria provided, multiple submitters, no conflicts (2 of 4 stars). 2 submissions from 2 submitters: Pathogenic (1); Likely pathogenic (1). Last evaluated 2022-11-03.

Conditions:
ADAMTS18-related disorder. Also called: ADAMTS18-related condition.

Allele frequency attached by ClinVar (database versions not stated): gnomAD exomes below 0.00001; ExAC 0.00001; gnomAD 0.00001.
gnomAD v4.1: 4 of 1,613,858 alleles (0.00025%); highest among the groups gnomAD compares: African/African-American, 0.0027%; no homozygotes.

Submissions (2):

Blueprint Genetics
Classification: Likely pathogenic for ADAMTS18-related disorders. Last evaluated: 2022-11-03. Review status: criteria provided, single submitter. Criteria: ACMG Guidelines, 2015. Collection method: clinical testing. Allele origin: germline. Affected: yes. Observed: 2 variant alleles.

Labcorp Genetics (formerly Invitae), Labcorp
Classification: Pathogenic. Last evaluated: 2022-08-10. Review status: criteria provided, single submitter. Criteria: Invitae Variant Classification Sherloc (09022015). Collection method: clinical testing. Allele origin: germline.
Comment: For these reasons, this variant has been classified as Pathogenic. ClinVar contains an entry for this variant (Variation ID: 1354967). This variant has not been reported in the literature in individuals affected with ADAMTS18-related conditions. The frequency data for this variant in the population databases is considered unreliable, as metrics indicate poor data quality at this position in the gnomAD database. This sequence change creates a premature translational stop signal (p.Arg418*) in the ADAMTS18 gene. It is expected to result in an absent or disrupted protein product. Loss-of-function variants in ADAMTS18 are known to be pathogenic (PMID: 23818446, 24874986).

Literature cited by the submitters: PubMed 23818446 (cited by Labcorp Genetics (formerly Invitae), Labcorp); PubMed 24874986 (cited by Labcorp Genetics (formerly Invitae), Labcorp).